The following is an entry in ClinVar:

ClinVar aggregate classification (germline): Likely benign (1 of 4 stars; one submission).

gnomAD v4.1: 3 of 1,610,086 alleles (0.00019%); highest among the groups gnomAD compares: Non-Finnish European, 0.00025%; no homozygotes.

Submission:

GeneDx
Classification: Likely benign. Last evaluated: 2018-01-09. Review status: criteria provided, single submitter. Criteria: GeneDx Variant Classification (06012015). Collection method: clinical testing. Allele origin: germline. Affected: yes.
Comment: This variant is considered likely benign or benign based on one or more of the following criteria: it is a conservative change, it occurs at a poorly conserved position in the protein, it is predicted to be benign by multiple in silico algorithms, and/or has population frequency not consistent with disease.

NM_173660.5(DOK7):c.1470G>C (p.Ser490=)

Gene: DOK7 (docking protein 7; plus strand). Cytogenetic location: 4p16.3.
Variant type: single nucleotide variant.
Coding change: c.1470G>C on transcript NM_173660.5 (MANE Select); coding-DNA position 1470, G replaced by C.
Protein change: p.Ser490=; no amino-acid change (serine 490 retained).
Molecular consequence: synonymous variant. On other transcripts: 3 prime UTR variant (1).
Genome position (GRCh38, 1-based): chr4:3,493,456, G>C. VCF-style: chr4-3493456-G-C. GRCh37 (hg19) VCF-style: chr4-3495183-G-C.
Other names: c.*691G>C (NM_001164673.2); c.540G>C, p.Ser180= (NM_001256896.2); c.1470G>C, p.Ser490= (NM_001301071.2); c.1038G>C, p.Ser346= (NM_001363811.2).
Identifiers: ClinVar variation 514538 (VCV000514538.1), dbSNP rs543344505, ClinGen allele CA438363065.